The following is an entry in ClinVar:

NM_006208.3(ENPP1):c.2312-5_2313del

Gene: ENPP1 (ectonucleotide pyrophosphatase/phosphodiesterase 1; plus strand). Cytogenetic location: 6q23.2.
Variant type: Deletion.
Coding change: c.2312-5_2313del on transcript NM_006208.3 (MANE Select); 5 bases into the intron before coding-DNA position 2312 through coding-DNA position 2313, 7 bases deleted (TTCAGTT; older notation c.2312-5_2313delTTCAGTT).
Molecular consequence: splice acceptor variant.
Genome position (GRCh38, 1-based): chr6:131,884,926-131,884,932, TTCAGTT deleted; deleting any 7 consecutive bases within chr6:131,884,925-131,884,932 gives the same sequence; the c. name uses the placement nearest the transcript's 3' end. VCF-style (leftmost placement, unchanged base first): chr6-131884924-GTTTCAGT-G. GRCh37 (hg19) VCF-style: chr6-132206064-GTTTCAGT-G.
Identifiers: ClinVar variation 2875263 (VCV002875263.3), dbSNP rs2483532756, ClinGen allele CA2522993869.

ClinVar aggregate classification (germline): Likely pathogenic (1 of 4 stars; one submission).

Submission:

Labcorp Genetics (formerly Invitae), Labcorp
Classification: Likely pathogenic. Last evaluated: 2023-03-10. Review status: criteria provided, single submitter. Criteria: Invitae Variant Classification Sherloc (09022015). Collection method: clinical testing. Allele origin: germline.
Comment: This variant results in the deletion of part of exon 23 (c.2312-5_2313del) of the ENPP1 gene. It is expected to disrupt RNA splicing. Variants that disrupt the donor or acceptor splice site typically lead to a loss of protein function (PMID: 16199547), and loss-of-function variants in ENPP1 are known to be pathogenic (PMID: 12881724, 15605415, 16369898, 20016754, 20137773, 22539483). This variant is not present in population databases (gnomAD no frequency). This variant has been observed in individual(s) with generalized arterial calcification of infancy or autosomal recessive hypophosphatemic rickets 2 (PMID: 33005041). Algorithms developed to predict the effect of sequence changes on RNA splicing suggest that this variant may disrupt the consensus splice site. In summary, the currently available evidence indicates that the variant is pathogenic, but additional data are needed to prove that conclusively. Therefore, this variant has been classified as Likely Pathogenic.

Literature cited by the submitters: PubMed 16199547; PubMed 12881724; PubMed 15605415; PubMed 16369898; PubMed 20016754; PubMed 20137773; PubMed 22539483; PubMed 33005041.